The following is an entry in ClinVar:

ClinVar aggregate classification (germline): Uncertain significance (1 of 4 stars; one submission).

Submission:

Labcorp Genetics (formerly Invitae), Labcorp
Classification: Uncertain significance. Last evaluated: 2025-03-31. Review status: criteria provided, single submitter. Criteria: Invitae Variant Classification Sherloc (09022015). Collection method: clinical testing. Allele origin: germline.
Comment: This sequence change falls in intron 14 of the SULF1 gene. It does not directly change the encoded amino acid sequence of the SULF1 protein. This variant is not present in population databases (gnomAD no frequency). This variant has not been reported in the literature in individuals affected with SULF1-related conditions. ClinVar contains an entry for this variant (Variation ID: 2744724). Algorithms developed to predict the effect of sequence changes on RNA splicing suggest that this variant may disrupt the consensus splice site. In summary, the available evidence is currently insufficient to determine the role of this variant in disease. Therefore, it has been classified as a Variant of Uncertain Significance.

NM_001128205.2(SULF1):c.1595-11_1595-7del

Gene: SULF1 (sulfatase 1; plus strand). Cytogenetic location: 8q13.3.
Variant type: Deletion.
Coding change: c.1595-11_1595-7del on transcript NM_001128205.2 (MANE Select); 11 bases into the intron before coding-DNA position 1595 through 7 bases into the intron before coding-DNA position 1595, 5 bases deleted (CTTAC; older notation c.1595-11_1595-7delCTTAC).
Molecular consequence: intron variant.
Genome position (GRCh38, 1-based): chr8:69,623,931-69,623,935, CTTAC deleted; deleting any 5 consecutive bases within chr8:69,623,930-69,623,935 gives the same sequence; the c. name uses the placement nearest the transcript's 3' end. VCF-style (leftmost placement, unchanged base first): chr8-69623929-CCCTTA-C. GRCh37 (hg19) VCF-style: chr8-70536164-CCCTTA-C.
Other names: c.1595-11_1595-7del (NM_001412835.1, NM_015170.3, NM_001412828.1 and 9 more transcripts); c.1538-11_1538-7del (NM_001412836.1, NM_001412837.1); c.1466-11_1466-7del (NM_001412839.1, NM_001412838.1, NM_001412832.1 and 1 more transcripts); c.995-11_995-7del (NM_001412845.1, NM_001412844.1); c.-197-11_-197-7del (NM_001412846.1); c.1409-11_1409-7del (NM_001412841.1, NM_001412842.1).
Identifiers: ClinVar variation 2744724 (VCV002744724.3), dbSNP rs2537348172, ClinGen allele CA2697549970.